The following is an entry in ClinVar:

ClinVar aggregate classification (germline): Likely pathogenic (1 of 4 stars; one submission).

Conditions:
Progressive muscular dystrophy. Identifiers: Orphanet 206644, MedGen C4551827, MONDO:0016106.

Submission:

Myriad Genetics, Inc.
Classification: Likely pathogenic for Progressive muscular dystrophy. Last evaluated: 2020-01-25. Review status: criteria provided, single submitter. Criteria: Myriad Autosomal Dominant, Autosomal Recessive and X-Linked Classification Criteria (2023). Collection method: clinical testing. Allele origin: unknown.
Comment: NM_004006.2(DMD):c.9362T>A(L3121*) is expected to be pathogenic in the context of dystrophinopathy (including Duchenne/Becker muscular dystrophy). This variant is predicted to lead to an abnormal or absent protein product due to the creation of a premature termination codon in DMD, a gene where loss-of-function variants are known to be pathogenic. Please note: this variant was assessed in the context of healthy population screening.

NM_004006.3(DMD):c.9362T>A (p.Leu3121Ter)

Gene: DMD (dystrophin; minus strand). Cytogenetic location: Xp21.2.
Variant type: single nucleotide variant.
Coding change: c.9362T>A on transcript NM_004006.3 (MANE Select); coding-DNA position 9362, T replaced by A.
Protein change: p.Leu3121Ter; replaces leucine 3121 with a stop codon.
Molecular consequence: nonsense.
Genome position (GRCh38, 1-based): chrX:31,209,699, A>T on the plus strand (T>A on the coding strand, the complement: DMD is on the minus strand). VCF-style: chrX-31209699-A-T. GRCh37 (hg19) VCF-style: chrX-31227816-A-T.
Other names: c.9338T>A, p.Leu3113Ter (NM_000109.4); c.9350T>A, p.Leu3117Ter (NM_004009.3); c.8993T>A, p.Leu2998Ter (NM_004010.3); c.5339T>A, p.Leu1780Ter (NM_004011.4); c.5330T>A, p.Leu1777Ter (NM_004012.4); c.1982T>A, p.Leu661Ter (NM_004013.3, NM_004020.4, NM_004021.3 and 2 more transcripts); c.1175T>A, p.Leu392Ter (NM_004014.3); c.158T>A, p.Leu53Ter (NM_004015.3, NM_004016.3, NM_004017.3 and 2 more transcripts); short protein forms L1777*, L1780*, L2998*, L3113*, L3117*, L3121*, L392*, L53*.
Identifiers: ClinVar variation 984097 (VCV000984097.4), dbSNP rs2044453958, ClinGen allele CA412650174.